The following is an entry in ClinVar:

NM_001159699.2(FHL1):c.413G>A (p.Trp138Ter)

Gene: FHL1 (four and a half LIM domains 1; plus strand). Cytogenetic location: Xq26.3.
Variant type: single nucleotide variant.
Coding change: c.413G>A on transcript NM_001159699.2 (MANE Select); coding-DNA position 413, G replaced by A.
Protein change: p.Trp138Ter; replaces tryptophan 138 with a stop codon.
Molecular consequence: nonsense. On other transcripts: non-coding transcript variant (1).
Genome position (GRCh38, 1-based): chrX:136,207,825, G>A. VCF-style: chrX-136207825-G-A. GRCh37 (hg19) VCF-style: chrX-135289984-G-A.
Other names: c.365G>A, p.Trp122Ter (NM_001159700.2, NM_001159702.3, NM_001159703.2 and 9 more transcripts); c.452G>A, p.Trp151Ter (NM_001159701.2); c.413G>A, p.Trp138Ter (NM_001330659.2); short protein forms W122*, W138*, W151*.
Identifiers: ClinVar variation 843672 (VCV000843672.7), dbSNP rs122458140, ClinGen allele CA414608355.
Genomic context (GRCh38, chrX:136,207,825, plus strand): 5'-GGGCTATCCAATTGCTTCCCTCTGCAGGAGATCAAAACGTGGAGTACAAGGGGACCGTCT[G>A]GCACAAAGACTGCTTCACCTGTAGTAACTGCAAGCAAGTCATCGGGACTGGAAGCTTCTT-3'

ClinVar aggregate classification (germline): Pathogenic (1 of 4 stars; one submission).

Conditions:
X-linked myopathy with postural muscle atrophy. Also called: FHL1-Related Emery-Dreifuss Muscular Dystrophy, X-Linked. Identifiers: Orphanet 178461, MedGen C2678055, MONDO:0010401, OMIM 300696.

Submission:

Labcorp Genetics (formerly Invitae), Labcorp
Classification: Pathogenic for X-linked myopathy with postural muscle atrophy. Last evaluated: 2019-01-27. Review status: criteria provided, single submitter. Criteria: Invitae Variant Classification Sherloc (09022015). Collection method: clinical testing. Allele origin: germline.
Comment: For these reasons, this variant has been classified as Pathogenic. This sequence change creates a premature translational stop signal (p.Trp122*) in the FHL1 gene. It is expected to result in an absent or disrupted protein product. This variant is not present in population databases (ExAC no frequency). This variant has not been reported in the literature in individuals with FHL1-related conditions. Loss-of-function variants in FHL1 are known to be pathogenic (PMID: 18179888, 19687455, 19716112, 22523091, 24114807).

Literature cited by the submitters: PubMed 18179888; PubMed 19687455; PubMed 19716112; PubMed 22523091; PubMed 24114807.